The following is an entry in ClinVar:

NM_001127671.2(LIFR):c.28C>T (p.Arg10Ter)

Gene: LIFR (LIF receptor subunit alpha; minus strand). Cytogenetic location: 5p13.1.
Variant type: single nucleotide variant.
Coding change: c.28C>T on transcript NM_001127671.2 (MANE Select); coding-DNA position 28, C replaced by T.
Protein change: p.Arg10Ter; replaces arginine 10 with a stop codon.
Molecular consequence: nonsense.
Genome position (GRCh38, 1-based): chr5:38,530,620, G>A on the plus strand (C>T on the coding strand, the complement: LIFR is on the minus strand). VCF-style: chr5-38530620-G-A. GRCh37 (hg19) VCF-style: chr5-38530722-G-A.
Other names: c.28C>T, p.Arg10Ter (NM_001364297.2, NM_001364298.2, NM_002310.6); short protein forms R10*.
Identifiers: ClinVar variation 631966 (VCV000631966.14), dbSNP rs3729732, ClinGen allele CA3243371.

ClinVar aggregate classification (germline): Conflicting classifications of pathogenicity. Review status: criteria provided, conflicting classifications (1 of 4 stars). 3 submissions from 3 submitters: Pathogenic (1); Likely pathogenic (1); Uncertain significance (1). Last evaluated 2026-01-19.

Conditions:
Stüve-Wiedemann syndrome 1. Also called: STUVE-WIEDEMANN/SCHWARTZ-JAMPEL TYPE 2 SYNDROME. Identifiers: Orphanet 3206, MedGen C5676888, MONDO:0800043, OMIM 601559.
Stuve-Wiedemann syndrome (STWS). Also called: Stüve-Wiedemann syndrome. Identifiers: Orphanet 3206, MedGen C0796176, MONDO:0031280.

Allele frequency attached by ClinVar (database versions not stated): gnomAD exomes 0.00002 and 0.00003; gnomAD 0.00003; TOPMed 0.00003; ExAC 0.00004; ESP Exome Variant Server 0.00008; 1000 Genomes Project 0.00020; 1000 Genomes Project 30x 0.00031.
gnomAD v4.1: 30 of 1,613,474 alleles (0.0019%); highest among the groups gnomAD compares: Middle Eastern, 0.017%; no homozygotes.

Submissions (3):

Natera, Inc.
Classification: Likely pathogenic for Stuve-Wiedemann syndrome. Last evaluated: 2026-01-19. Review status: criteria provided, single submitter. Criteria: Natera Variant Classification Schema (03/2026). Collection method: clinical testing. Allele origin: germline.
Comment: The c.28C>T variant in LIFR is a nonsense variant predicted to introduce a stop codon at amino acid 10. This variant is expected to result in nonsense mediated decay, truncation, or a dysfunctional protein product. This variant is rare in the general population with a frequency below the threshold expected for the associated phenotype(s). Given the available evidence, this variant is classified as Likely Pathogenic.

Fulgent Genetics
Classification: Uncertain significance for Stüve-Wiedemann syndrome 1. Last evaluated: 2024-05-14. Review status: criteria provided, single submitter. Criteria: ACMG Guidelines, 2015. Collection method: clinical testing. Allele origin: germline.

Labcorp Genetics (formerly Invitae), Labcorp
Classification: Pathogenic. Last evaluated: 2024-02-05. Review status: criteria provided, single submitter. Criteria: Invitae Variant Classification Sherloc (09022015). Collection method: clinical testing. Allele origin: germline.
Comment: This sequence change creates a premature translational stop signal (p.Arg10*) in the LIFR gene. It is expected to result in an absent or disrupted protein product. Loss-of-function variants in LIFR are known to be pathogenic (PMID: 14740318). This variant is present in population databases (rs3729732, gnomAD 0.02%). This variant has not been reported in the literature in individuals affected with LIFR-related conditions. ClinVar contains an entry for this variant (Variation ID: 631966). Algorithms developed to predict the effect of sequence changes on RNA splicing suggest that this variant may disrupt the consensus splice site. For these reasons, this variant has been classified as Pathogenic.

Literature cited by the submitters: PubMed 14740318 (cited by Labcorp Genetics (formerly Invitae), Labcorp).